The following is an entry in ClinVar:

NM_000426.4(LAMA2):c.2429C>T (p.Pro810Leu)

Gene: LAMA2 (laminin subunit alpha 2; plus strand). Cytogenetic location: 6q22.33.
Variant type: single nucleotide variant.
Coding change: c.2429C>T on transcript NM_000426.4 (MANE Select); coding-DNA position 2429, C replaced by T.
Protein change: p.Pro810Leu; replaces proline 810 with leucine.
Molecular consequence: missense variant.
Genome position (GRCh38, 1-based): chr6:129,270,730, C>T. VCF-style: chr6-129270730-C-T. GRCh37 (hg19) VCF-style: chr6-129591875-C-T.
Other names: c.2429C>T, p.Pro810Leu (NM_001079823.2); short protein forms P810L.
Identifiers: ClinVar variation 966518 (VCV000966518.9), dbSNP rs1250951882, ClinGen allele CA365609214.
Genomic context (GRCh38, chr6:129,270,730, plus strand): 5'-CTGGTTTCTATGGCGAGCCTACTAAAGGAACCTCTGAAGACTGTCAACCCTGTGCCTGTC[C>T]ACTCAATATCCCATCCAATAAGTAAGTAACAAACTTACCCCATGAATAAGCTCAGCATCC-3'
Protein context (NP_000417.3, residues 800-820): TSEDCQPCAC[Pro810Leu]LNIPSNNFSP

ClinVar aggregate classification (germline): Uncertain significance. Review status: criteria provided, multiple submitters, no conflicts (2 of 4 stars). 2 submissions from 2 submitters: Uncertain significance (2). Last evaluated 2022-05-07.

Conditions:
LAMA2-related muscular dystrophy (LAMA2-RD). Also called: Laminin alpha 2-related dystrophy. Identifiers: MedGen C5679788, MONDO:0100228.

Allele frequency attached by ClinVar (database versions not stated): gnomAD exomes below 0.00001 and 0.00001; gnomAD 0.00001; TOPMed 0.00003.
gnomAD v4.1: 10 of 1,613,108 alleles (0.00062%); highest among the groups gnomAD compares: Admixed American, 0.0033%; no homozygotes.

Submissions (2):

Labcorp Genetics (formerly Invitae), Labcorp
Classification: Uncertain significance for LAMA2-related muscular dystrophy. Last evaluated: 2022-05-07. Review status: criteria provided, single submitter. Criteria: Invitae Variant Classification Sherloc (09022015). Collection method: clinical testing. Allele origin: germline.
Comment: This sequence change replaces proline, which is neutral and non-polar, with leucine, which is neutral and non-polar, at codon 810 of the LAMA2 protein (p.Pro810Leu). This variant is present in population databases (no rsID available, gnomAD 0.003%). This variant has not been reported in the literature in individuals affected with LAMA2-related conditions. ClinVar contains an entry for this variant (Variation ID: 966518). Algorithms developed to predict the effect of missense changes on protein structure and function are either unavailable or do not agree on the potential impact of this missense change (SIFT: "Deleterious"; PolyPhen-2: "Probably Damaging"; Align-GVGD: "Class C0"). In summary, the available evidence is currently insufficient to determine the role of this variant in disease. Therefore, it has been classified as a Variant of Uncertain Significance.

Revvity Omics, Revvity
Classification: Uncertain significance. Last evaluated: 2019-11-19. Review status: criteria provided, single submitter. Criteria: ACMG Guidelines, 2015. Collection method: clinical testing. Allele origin: germline.